The following is an entry in ClinVar:

NM_001365276.2(TNXB):c.7331A>G (p.Gln2444Arg)

Gene: TNXB (tenascin XB; minus strand). Cytogenetic location: 6p21.33.
Variant type: single nucleotide variant.
Coding change: c.7331A>G on transcript NM_001365276.2 (MANE Select); coding-DNA position 7331, A replaced by G.
Protein change: p.Gln2444Arg; replaces glutamine 2444 with arginine.
Molecular consequence: missense variant.
Genome position (GRCh38, 1-based): chr6:32,061,558, T>C on the plus strand (A>G on the coding strand, the complement: TNXB is on the minus strand). VCF-style: chr6-32061558-T-C. GRCh37 (hg19) VCF-style: chr6-32029335-T-C.
Other names: c.8072A>G, p.Gln2691Arg (NM_001428335.1); c.7331A>G, p.Gln2444Arg (NM_019105.8); short protein forms Q2444R, Q2691R.
Identifiers: ClinVar variation 4865817 (VCV004865817.1).

ClinVar aggregate classification (germline): Uncertain significance (1 of 4 stars; one submission).

Conditions:
Cardiovascular phenotype. Identifiers: MedGen CN230736.

gnomAD v4.1: 3 of 1,613,516 alleles (0.00019%); highest among the groups gnomAD compares: Admixed American, 0.0033%; no homozygotes.

Submission:

Ambry Genetics
Classification: Uncertain significance for Cardiovascular phenotype. Last evaluated: 2026-04-23. Review status: criteria provided, single submitter. Criteria: Ambry Variant Classification Scheme 2023. Collection method: clinical testing. Allele origin: germline.
Comment: The p.Q2444R variant (also known as c.7331A>G), located in coding exon 20 of the TNXB gene, results from an A to G substitution at nucleotide position 7331. The glutamine at codon 2444 is replaced by arginine, an amino acid with highly similar properties. This amino acid position is conserved. In addition, this alteration is predicted to be tolerated by in silico analysis. Based on the available evidence, the clinical significance of this variant remains unclear.